The following is an entry in ClinVar:

ClinVar aggregate classification (germline): Uncertain significance. Review status: criteria provided, multiple submitters, no conflicts (2 of 4 stars). 2 submissions from 2 submitters: Uncertain significance (2). Last evaluated 2025-06-02.

Conditions:
Ataxia-telangiectasia syndrome (AT). Also called: Cerebello-oculocutaneous telangiectasia; Immunodeficiency with ataxia telangiectasia; LOUIS-BAR SYNDROME; AT, COMPLEMENTATION GROUP C; ATAXIA-TELANGIECTASIA, COMPLEMENTATION GROUP A; ATAXIA-TELANGIECTASIA, FRESNO VARIANT. Identifiers: Orphanet 100, MedGen C0004135, MONDO:0008840, OMIM 208900.
Hereditary cancer-predisposing syndrome. Also called: Tumor predisposition; Hereditary neoplastic syndrome; Neoplastic Syndromes, Hereditary; Hereditary Cancer Syndrome. Identifiers: Orphanet 140162, MedGen C0027672, MeSH D009386, MONDO:0015356.

Submissions (2):

Labcorp Genetics (formerly Invitae), Labcorp
Classification: Uncertain significance for Ataxia-telangiectasia syndrome. Last evaluated: 2025-06-02. Review status: criteria provided, single submitter. Criteria: Invitae Variant Classification Sherloc (09022015). Collection method: clinical testing. Allele origin: germline.
Comment: This sequence change replaces leucine, which is neutral and non-polar, with proline, which is neutral and non-polar, at codon 1108 of the ATM protein (p.Leu1108Pro). This variant is not present in population databases (gnomAD no frequency). This variant has not been reported in the literature in individuals affected with ATM-related conditions. ClinVar contains an entry for this variant (Variation ID: 937879). Invitae Evidence Modeling of protein sequence and biophysical properties (such as structural, functional, and spatial information, amino acid conservation, physicochemical variation, residue mobility, and thermodynamic stability) indicates that this missense variant is not expected to disrupt ATM protein function with a negative predictive value of 95%. In summary, the available evidence is currently insufficient to determine the role of this variant in disease. Therefore, it has been classified as a Variant of Uncertain Significance.

Ambry Genetics
Classification: Uncertain significance for Hereditary cancer-predisposing syndrome. Last evaluated: 2023-06-25. Review status: criteria provided, single submitter. Criteria: Ambry Variant Classification Scheme 2023. Collection method: clinical testing. Allele origin: germline.
Comment: The p.L1108P variant (also known as c.3323T>C), located in coding exon 22 of the ATM gene, results from a T to C substitution at nucleotide position 3323. The leucine at codon 1108 is replaced by proline, an amino acid with similar properties. This amino acid position is conserved. In addition, this alteration is predicted to be tolerated by in silico analysis. Since supporting evidence is limited at this time, the clinical significance of this alteration remains unclear.

NM_000051.4(ATM):c.3323T>C (p.Leu1108Pro)

Gene: ATM (ATM serine/threonine kinase; plus strand). Cytogenetic location: 11q22.3.
Variant type: single nucleotide variant.
Coding change: c.3323T>C on transcript NM_000051.4 (MANE Select); coding-DNA position 3323, T replaced by C.
Protein change: p.Leu1108Pro; replaces leucine 1108 with proline.
Molecular consequence: missense variant.
Genome position (GRCh38, 1-based): chr11:108,279,529, T>C. VCF-style: chr11-108279529-T-C. GRCh37 (hg19) VCF-style: chr11-108150256-T-C.
Other names: c.3323T>C, p.Leu1108Pro (NM_001351834.2); short protein forms L1108P.
Identifiers: ClinVar variation 937879 (VCV000937879.11), dbSNP rs2082117640, ClinGen allele CA382517515.